The following is an entry in ClinVar:

ClinVar aggregate classification (germline): Uncertain significance (1 of 4 stars; one submission).

gnomAD v4.1: 2 of 1,614,022 alleles (0.00012%); highest among the groups gnomAD compares: Admixed American, 0.0033%; no homozygotes.

Submission:

GeneDx
Classification: Uncertain significance. Last evaluated: 2024-07-09. Review status: criteria provided, single submitter. Criteria: GeneDx Variant Classification Process June 2021. Collection method: clinical testing. Allele origin: germline. Affected: yes.
Comment: Not observed at significant frequency in large population cohorts (gnomAD); In silico analysis supports that this missense variant has a deleterious effect on protein structure/function; Has not been previously published as pathogenic or benign to our knowledge

NM_000601.6(HGF):c.1066A>C (p.Asn356His)

Gene: HGF (hepatocyte growth factor; minus strand). Cytogenetic location: 7q21.11.
Variant type: single nucleotide variant.
Coding change: c.1066A>C on transcript NM_000601.6 (MANE Select); coding-DNA position 1066, A replaced by C.
Protein change: p.Asn356His; replaces asparagine 356 with histidine.
Molecular consequence: missense variant.
Genome position (GRCh38, 1-based): chr7:81,725,992, T>G on the plus strand (A>C on the coding strand, the complement: HGF is on the minus strand). VCF-style: chr7-81725992-T-G. GRCh37 (hg19) VCF-style: chr7-81355308-T-G.
Other names: c.1051A>C, p.Asn351His (NM_001010932.3); short protein forms N351H, N356H.
Identifiers: ClinVar variation 3572557 (VCV003572557.1).
Genomic context (GRCh38, chr7:81,725,992, plus strand): 5'-AGCCAACTCGGATGTTTGGATCAGTGGTAAAACACCAGGGTGATTCAGACCCATCTGGAT[T>G]TCGGCAGTAATTTTCTCGTAGGTCCCTATTGAGAATAAGCATGTTAATGTAAATTGCCGG-3'
Protein context (NP_000592.3, residues 346-366): CKDLRENYCR[Asn356His]PDGSESPWCF